The following is an entry in ClinVar:

NM_020184.4(CNNM4):c.485A>C (p.Lys162Thr)

Gene: CNNM4 (cyclin and CBS domain divalent metal cation transport mediator 4; plus strand). Cytogenetic location: 2q11.2.
Variant type: single nucleotide variant.
Coding change: c.485A>C on transcript NM_020184.4 (MANE Select); coding-DNA position 485, A replaced by C.
Protein change: p.Lys162Thr; replaces lysine 162 with threonine.
Molecular consequence: missense variant.
Genome position (GRCh38, 1-based): chr2:96,761,484, A>C. VCF-style: chr2-96761484-A-C. GRCh37 (hg19) VCF-style: chr2-97427221-A-C.
Other names: short protein forms K162T.
Identifiers: ClinVar variation 1933892 (VCV001933892.5), dbSNP rs759874330, ClinGen allele CA1783219.

ClinVar aggregate classification (germline): Uncertain significance (1 of 4 stars; one submission).

Allele frequency attached by ClinVar (database versions not stated): ExAC 0.00001.
gnomAD v4.1: 1 of 1,614,110 alleles (0.000062%); no homozygotes.

Submission:

Labcorp Genetics (formerly Invitae), Labcorp
Classification: Uncertain significance. Last evaluated: 2024-11-11. Review status: criteria provided, single submitter. Criteria: Invitae Variant Classification Sherloc (09022015). Collection method: clinical testing. Allele origin: germline.
Comment: This sequence change replaces lysine, which is basic and polar, with threonine, which is neutral and polar, at codon 162 of the CNNM4 protein (p.Lys162Thr). This variant is present in population databases (rs759874330, gnomAD 0.0009%). This variant has not been reported in the literature in individuals affected with CNNM4-related conditions. ClinVar contains an entry for this variant (Variation ID: 1933892). Invitae Evidence Modeling of protein sequence and biophysical properties (such as structural, functional, and spatial information, amino acid conservation, physicochemical variation, residue mobility, and thermodynamic stability) indicates that this missense variant is not expected to disrupt CNNM4 protein function with a negative predictive value of 80%. In summary, the available evidence is currently insufficient to determine the role of this variant in disease. Therefore, it has been classified as a Variant of Uncertain Significance.